The following is an entry in ClinVar:

ClinVar aggregate classification (germline): Uncertain significance. Review status: criteria provided, multiple submitters, no conflicts (2 of 4 stars). 2 submissions from 2 submitters: Uncertain significance (2). Last evaluated 2024-04-13.

Conditions:
Pitt-Hopkins-like syndrome 2 (PTHSL2). Identifiers: Orphanet 221150, Orphanet 600663, MedGen C3280479, MONDO:0013690, OMIM 614325.

Allele frequency attached by ClinVar (database versions not stated): gnomAD exomes below 0.00001; TOPMed below 0.00001; gnomAD 0.00001.
gnomAD v4.1: 2 of 1,613,606 alleles (0.00012%); highest among the groups gnomAD compares: Non-Finnish European, 0.00017%; no homozygotes.

Submissions (2):

Labcorp Genetics (formerly Invitae), Labcorp
Classification: Uncertain significance for Pitt-Hopkins-like syndrome 2. Last evaluated: 2024-04-13. Review status: criteria provided, single submitter. Criteria: Invitae Variant Classification Sherloc (09022015). Collection method: clinical testing. Allele origin: germline.
Comment: This sequence change replaces asparagine, which is neutral and polar, with aspartic acid, which is acidic and polar, at codon 886 of the NRXN1 protein (p.Asn886Asp). This variant is not present in population databases (gnomAD no frequency). This variant has not been reported in the literature in individuals affected with NRXN1-related conditions. ClinVar contains an entry for this variant (Variation ID: 861640). An algorithm developed to predict the effect of missense changes on protein structure and function (PolyPhen-2) suggests that this variant is likely to be disruptive. In summary, the available evidence is currently insufficient to determine the role of this variant in disease. Therefore, it has been classified as a Variant of Uncertain Significance.

Revvity Omics, Revvity
Classification: Uncertain significance for Pitt-Hopkins-like syndrome 2. Last evaluated: 2023-03-01. Review status: criteria provided, single submitter. Criteria: ACMG Guidelines, 2015. Collection method: clinical testing. Allele origin: germline.

NM_001330078.2(NRXN1):c.2536A>G (p.Asn846Asp)

Gene: NRXN1 (neurexin 1; minus strand). Cytogenetic location: 2p16.3.
Variant type: single nucleotide variant.
Coding change: c.2536A>G on transcript NM_001330078.2 (MANE Select); coding-DNA position 2536, A replaced by G.
Protein change: p.Asn846Asp; replaces asparagine 846 with aspartic acid.
Molecular consequence: missense variant.
Genome position (GRCh38, 1-based): chr2:50,497,676, T>C on the plus strand (A>G on the coding strand, the complement: NRXN1 is on the minus strand). VCF-style: chr2-50497676-T-C. GRCh37 (hg19) VCF-style: chr2-50724814-T-C.
Other names: c.2656A>G (NM_001135659.2); c.2656A>G, p.Asn886Asp (NM_001135659.3); c.2512A>G, p.Asn838Asp (NM_001330077.2, NM_001330082.2); c.2470A>G, p.Asn824Asp (NM_001330083.2, NM_001330084.2); c.2509A>G, p.Asn837Asp (NM_001330085.2); c.2536A>G, p.Asn846Asp (NM_001330086.2, NM_004801.6); c.2425A>G, p.Asn809Asp (NM_001330087.2, NM_001330096.2); c.2455A>G, p.Asn819Asp (NM_001330088.2); and 3 more; short protein forms N809D, N819D, N824D, N846D, N838D, N829D, N837D, N842D.
Identifiers: ClinVar variation 861640 (VCV000861640.11), dbSNP rs1282460988, ClinGen allele CA346777420.